The following is an entry in ClinVar:

ClinVar aggregate classification (germline): Uncertain significance (1 of 4 stars; one submission).

Conditions:
Hereditary cancer-predisposing syndrome. Also called: Neoplastic Syndromes, Hereditary; Tumor predisposition; Hereditary Cancer Syndrome; Hereditary neoplastic syndrome. Identifiers: Orphanet 140162, MedGen C0027672, MeSH D009386, MONDO:0015356.

Submission:

Ambry Genetics
Classification: Uncertain significance for Hereditary cancer-predisposing syndrome. Last evaluated: 2026-04-28. Review status: criteria provided, single submitter. Criteria: Ambry Variant Classification Scheme 2023. Collection method: clinical testing. Allele origin: germline.
Comment: The p.S1967F variant (also known as c.5900C>T), located in coding exon 15 of the APC gene, results from a C to T substitution at nucleotide position 5900. The serine at codon 1967 is replaced by phenylalanine, an amino acid with highly dissimilar properties. This amino acid position is highly conserved in available vertebrate species. In addition, in silico predictors for this gene do not accurately predict pathogenicity. Missense variants in APC are not a common cause of disease (Spier I et al. Genet Med. 2024 Feb;26(2):100992). Based on the available evidence, the clinical significance of this variant remains unclear.

NM_000038.6(APC):c.5900C>T (p.Ser1967Phe)

Gene: APC (APC regulator of Wnt signaling pathway; plus strand). Cytogenetic location: 5q22.2.
Variant type: single nucleotide variant.
Coding change: c.5900C>T on transcript NM_000038.6 (MANE Select); coding-DNA position 5900, C replaced by T.
Protein change: p.Ser1967Phe; replaces serine 1967 with phenylalanine.
Molecular consequence: missense variant. On other transcripts: non-coding transcript variant (2).
Genome position (GRCh38, 1-based): chr5:112,841,494, C>T. VCF-style: chr5-112841494-C-T. GRCh37 (hg19) VCF-style: chr5-112177191-C-T.
Other names: c.5954C>T, p.Ser1985Phe (NM_001407447.1, NM_001407448.1, NM_001407449.1 and 1 more transcripts); c.5900C>T, p.Ser1967Phe (NM_001407450.1, NM_001354895.2, NM_001127510.3); c.5879C>T, p.Ser1960Phe (NM_001407451.1); c.5870C>T, p.Ser1957Phe (NM_001407452.1); c.5723C>T, p.Ser1908Phe (NM_001407453.1, NM_001354901.2); c.5651C>T, p.Ser1884Phe (NM_001407454.1, NM_001407455.1, NM_001407456.1 and 1 more transcripts); c.5597C>T, p.Ser1866Phe (NM_001407458.1, NM_001407459.1, NM_001407460.1 and 1 more transcripts); c.5513C>T, p.Ser1838Phe (NM_001407467.1, NM_001407469.1); and 11 more; short protein forms S1583F, S1684F, S1807F, S1838F, S1841F, S1866F, S1876F, S1884F.
Identifiers: ClinVar variation 4860692 (VCV004860692.1).